The following is an entry in ClinVar:

NM_025137.4(SPG11):c.6884_6886del (p.Thr2295del)

Gene: SPG11 (SPG11 vesicle trafficking associated, spatacsin; minus strand). Cytogenetic location: 15q21.1.
Variant type: Deletion.
Coding change: c.6884_6886del on transcript NM_025137.4 (MANE Select); coding-DNA positions 6884 to 6886, 3 bases deleted (CCA; older notation c.6884_6886delCCA).
Protein change: p.Thr2295del; deletes threonine 2295.
Molecular consequence: inframe deletion.
Genome position (GRCh38, 1-based): chr15:44,565,967-44,565,969, TGG deleted on the plus strand (CCA on the coding strand, the reverse complement: SPG11 is on the minus strand); deleting any 3 consecutive bases within chr15:44,565,967-44,565,971 gives the same sequence; the c. name uses the placement nearest the transcript's 3' end. VCF-style (leftmost placement, unchanged base first): chr15-44565966-TTGG-T. GRCh37 (hg19) VCF-style: chr15-44858164-TTGG-T.
Other names: c.6884_6886delCCA (NM_025137.4); c.6545_6547del, p.Thr2182del (NM_001160227.2); short protein forms T2295del, T2182del.
Identifiers: ClinVar variation 406508 (VCV000406508.10), dbSNP rs1060501169, ClinGen allele CA16614763.

ClinVar aggregate classification (germline): Uncertain significance. Review status: criteria provided, multiple submitters, no conflicts (2 of 4 stars). 5 submissions from 3 submitters: Uncertain significance (5). Last evaluated 2025-01-28.

Conditions:
Charcot-Marie-Tooth disease axonal type 2X. Also called: CHARCOT-MARIE-TOOTH DISEASE, AXONAL, AUTOSOMAL RECESSIVE, TYPE 2X; CHARCOT-MARIE-TOOTH NEUROPATHY, TYPE 2X. Identifiers: Orphanet 466775, MedGen C5569024, MONDO:0014726, OMIM 616668.
Amyotrophic lateral sclerosis type 5 (ALS5). Also called: AMYOTROPHIC LATERAL SCLEROSIS 5, JUVENILE. Identifiers: Orphanet 300605, MedGen C1865864, MONDO:0011196, OMIM 602099.
Hereditary spastic paraplegia 11. Also called: Spastic Paraplegia 11; Spastic paraplegia, mental retardation and thin corpus callosum; Nakamura Osame syndrome; Autosomal recessive hereditary spastic paraplegia, mental impairment, and thin corpus callosum; SPASTIC PARAPLEGIA, AUTOSOMAL RECESSIVE, COMPLICATED, WITH THIN CORPUS CALLOSUM; SPASTIC PARAPLEGIA, AUTOSOMAL RECESSIVE, WITH MENTAL IMPAIRMENT AND THIN CORPUS CALLOSUM. Identifiers: Orphanet 2822, MedGen C1858479, MONDO:0011445, OMIM 604360.

Submissions (5):

Women's Health and Genetics/Laboratory Corporation of America, LabCorp
Classification: Uncertain significance. Last evaluated: 2025-01-28. Review status: criteria provided, single submitter. Criteria: LabCorp Variant Classification Summary - May 2015. Collection method: clinical testing. Allele origin: germline.
Comment: Variant summary: SPG11 c.6884_6886delCCA (p.Thr2295del) results in an in-frame deletion that is predicted to remove one amino acid from the from the Spatacsin, C-terminal domain of the encoded protein. The variant allele was found at a frequency of 8e-06 in 251162 control chromosomes. The available data on variant occurrences in the general population are insufficient to allow any conclusion about variant significance. c.6884_6886delCCA has been reported in the literature in individuals affected with Hereditary Spastic Paraplegia (Orsucci_2014, Chrestian_2016, Salem_2021). These data do not allow any conclusion about variant significance. To our knowledge, no experimental evidence demonstrating an impact on protein function has been reported. The following publications have been ascertained in the context of this evaluation (PMID: 27957547, 24731568, 33397523). ClinVar contains an entry for this variant (Variation ID: 406508). Based on the evidence outlined above, the variant was classified as uncertain significance.

Labcorp Genetics (formerly Invitae), Labcorp
Classification: Uncertain significance for Hereditary spastic paraplegia 11. Last evaluated: 2021-09-17. Review status: criteria provided, single submitter. Criteria: Invitae Variant Classification Sherloc (09022015). Collection method: clinical testing. Allele origin: germline.
Comment: This variant, c.6884_6886del, results in the deletion of 1 amino acid(s) of the SPG11 protein (p.Thr2295del), but otherwise preserves the integrity of the reading frame. This variant is not present in population databases (ExAC no frequency). This variant has been observed in individuals with hereditary spastic paraplegia (PMID: 24731568, 27957547). ClinVar contains an entry for this variant (Variation ID: 406508). Experimental studies and prediction algorithms are not available or were not evaluated, and the functional significance of this variant is currently unknown. In summary, the available evidence is currently insufficient to determine the role of this variant in disease. Therefore, it has been classified as a Variant of Uncertain Significance.

Genome-Nilou Lab
Classification: Uncertain significance for Amyotrophic lateral sclerosis type 5. Review status: criteria provided, single submitter. Criteria: ACMG Guidelines, 2015. Collection method: clinical testing. Allele origin: germline.

Genome-Nilou Lab
Classification: Uncertain significance for Charcot-Marie-Tooth disease axonal type 2X. Review status: criteria provided, single submitter. Criteria: ACMG Guidelines, 2015. Collection method: clinical testing. Allele origin: germline.

Genome-Nilou Lab
Classification: Uncertain significance for Hereditary spastic paraplegia 11. Review status: criteria provided, single submitter. Criteria: ACMG Guidelines, 2015. Collection method: clinical testing. Allele origin: germline.

Literature cited by the submitters: PubMed 27957547 (cited by Women's Health and Genetics/Laboratory Corporation of America, LabCorp and Labcorp Genetics (formerly Invitae), Labcorp); PubMed 24731568 (cited by Women's Health and Genetics/Laboratory Corporation of America, LabCorp and Labcorp Genetics (formerly Invitae), Labcorp); PubMed 33397523 (cited by Women's Health and Genetics/Laboratory Corporation of America, LabCorp).